The following is an entry in ClinVar:

ClinVar aggregate classification (germline): Uncertain significance. Review status: criteria provided, multiple submitters, no conflicts (2 of 4 stars). 4 submissions from 4 submitters: Uncertain significance (4). Last evaluated 2025-09-12.

Conditions:
Generalized epilepsy with febrile seizures plus, type 9 (GEFSP9). Also called: GEFS+, TYPE 9. Identifiers: Orphanet 36387, MedGen C4015395, MONDO:0014517, OMIM 616172.

Submissions (4):

3billion
Classification: Uncertain significance for Generalized epilepsy with febrile seizures plus, type 9. Last evaluated: 2025-09-12. Review status: criteria provided, single submitter. Criteria: ACMG Guidelines, 2015. Collection method: clinical testing. Allele origin: germline. Affected: yes.
Comment: The variant is observed at an extremely low frequency in the gnomAD v4.1.0 dataset (total allele frequency: <0.001%). Predicted Consequence/Location: Missense variant. The majority of the known disease-causing variants of this gene are variants expected to result in premature termination of the protein. In silico tool predictions suggest damaging effect of the variant on gene or gene product [3Cnet: 0.98 (> 0.75, sensitivity 0.96 and precision 0.92)]. A different missense change at the same codon (p.Arg261Gln) has been reported to be associated with STX1B-related disorder (PMID: 30737342). However the evidence of pathogenicity is insufficient at this time. Therefore, this variant is classified as VUS according to the recommendation of ACMG/AMP guideline.

CeGaT Center for Human Genetics Tuebingen
Classification: Uncertain significance. Last evaluated: 2024-12-01. Review status: criteria provided, single submitter. Criteria: CeGaT Center For Human Genetics Tuebingen Variant Classification Criteria Version 2. Collection method: clinical testing. Allele origin: germline. Affected: yes. Observed: 1 variant allele.
Comment: STX1B: PM2, PP2

Labcorp Genetics (formerly Invitae), Labcorp
Classification: Uncertain significance for Generalized epilepsy with febrile seizures plus, type 9. Last evaluated: 2024-11-21. Review status: criteria provided, single submitter. Criteria: Invitae Variant Classification Sherloc (09022015). Collection method: clinical testing. Allele origin: germline.
Comment: This sequence change replaces arginine, which is basic and polar, with tryptophan, which is neutral and slightly polar, at codon 261 of the STX1B protein (p.Arg261Trp). This variant is not present in population databases (gnomAD no frequency). This variant has not been reported in the literature in individuals affected with STX1B-related conditions. ClinVar contains an entry for this variant (Variation ID: 1925818). Invitae Evidence Modeling of protein sequence and biophysical properties (such as structural, functional, and spatial information, amino acid conservation, physicochemical variation, residue mobility, and thermodynamic stability) indicates that this missense variant is expected to disrupt STX1B protein function with a positive predictive value of 80%. In summary, the available evidence is currently insufficient to determine the role of this variant in disease. Therefore, it has been classified as a Variant of Uncertain Significance.

Blueprint Genetics
Classification: Uncertain significance. Last evaluated: 2020-08-18. Review status: criteria provided, single submitter. Criteria: ACMG Guidelines, 2015. Collection method: clinical testing. Allele origin: germline.

Literature cited by the submitters: PubMed 30737342 (cited by 3billion).

NM_052874.5(STX1B):c.781C>T (p.Arg261Trp)

Gene: STX1B (syntaxin 1B; minus strand). Cytogenetic location: 16p11.2.
Variant type: single nucleotide variant.
Coding change: c.781C>T on transcript NM_052874.5 (MANE Select); coding-DNA position 781, C replaced by T.
Protein change: p.Arg261Trp; replaces arginine 261 with tryptophan.
Molecular consequence: missense variant.
Genome position (GRCh38, 1-based): chr16:30,993,135, G>A on the plus strand (C>T on the coding strand, the complement: STX1B is on the minus strand). VCF-style: chr16-30993135-G-A. GRCh37 (hg19) VCF-style: chr16-31004456-G-A.
Other names: short protein forms R261W.
Identifiers: ClinVar variation 1925818 (VCV001925818.19), dbSNP rs2543954285, ClinGen allele CA395646575.